The following is an entry in ClinVar:

ClinVar aggregate classification (germline): Pathogenic (1 of 4 stars; one submission).

Submission:

GeneDx
Classification: Pathogenic. Last evaluated: 2016-11-15. Review status: criteria provided, single submitter. Criteria: GeneDx Variant Classification (06012015). Collection method: clinical testing. Allele origin: germline. Affected: yes.
Comment: The c.1046dupA pathogenic variant in the PHEX gene causes a frameshift starting with codon Aspartic acid 349, changes this amino acid to a Glutamic acid residue and creates a premature Stop codon at position 4 of the new reading frame, denoted p.Asp349GlufsX4. This pathogenic variant is predicted to cause loss of normal protein function either through protein truncation or nonsense-mediated mRNA decay. The variant was not observed in approximately 6,500 individuals of European and African American ancestry in the NHLBI Exome Sequencing Project, indicating it is not a common benign variant in these populations. Although this pathogenic variant has not been previously reported to our knowledge, its presence is consistent with a diagnosis of X-linked hypophosphatemic rickets.

NM_000444.6(PHEX):c.1046dup (p.Asp349fs)

Gene: PHEX (phosphate regulating endopeptidase homolog X-linked; plus strand). Cytogenetic location: Xp22.11.
Variant type: Duplication.
Coding change: c.1046dup on transcript NM_000444.6 (MANE Select); coding-DNA position 1046, one base duplicated (A; older notation c.1046dupA).
Protein change: p.Asp349fs; shifts the reading frame from aspartic acid 349.
Molecular consequence: frameshift variant.
Genome position (GRCh38, 1-based): chrX:22,099,118, A duplicated. VCF-style (leftmost placement, unchanged base first): chrX-22099117-G-GA. GRCh37 (hg19) VCF-style: chrX-22117235-G-GA.
Other names: c.1046dup, p.Asp349fs (NM_001282754.2); short protein forms D349fs.
Identifiers: ClinVar variation 372456 (VCV000372456.2), dbSNP rs1057517792, ClinGen allele CA16043308.
Genomic context (GRCh38, chrX:22,099,117, plus strand): 5'-CATCTGAAAGACATCAGCCCCTCCGAGAATGTGGTGGTCCGCGTCCCGCAGTACTTTAAA[G>GA]ATTTGTTTAGGATATTAGGGTCTGAGAGAAAGAAGTAAGAACTTTCACATGAATTTTACT-3'